The following is an entry in ClinVar:

ClinVar aggregate classification (germline): Likely pathogenic (0 of 4 stars; one submission).

Conditions:
SMARCA2-related disorder. Also called: SMARCA2-related condition.

Submission:

PreventionGenetics, part of Exact Sciences
Classification: Likely pathogenic for SMARCA2-related condition. Last evaluated: 2024-05-31. Review status: no assertion criteria provided. Collection method: clinical testing. Allele origin: germline.
Comment: The SMARCA2 c.3101G>A variant is predicted to result in the amino acid substitution p.Gly1034Asp. To our knowledge, this variant has not been reported in the literature or in a large population database, indicating this variant is rare. This variant is interpreted as likely pathogenic.

NM_003070.5(SMARCA2):c.3101G>A (p.Gly1034Asp)

Gene: SMARCA2 (SWI/SNF related BAF chromatin remodeling complex subunit ATPase 2; plus strand). Cytogenetic location: 9p24.3.
Variant type: single nucleotide variant.
Coding change: c.3101G>A on transcript NM_003070.5 (MANE Select); coding-DNA position 3101, G replaced by A.
Protein change: p.Gly1034Asp; replaces glycine 1034 with aspartic acid.
Molecular consequence: missense variant.
Genome position (GRCh38, 1-based): chr9:2,101,592, G>A. VCF-style: chr9-2101592-G-A. GRCh37 (hg19) VCF-style: chr9-2101592-G-A.
Other names: c.3101G>A, p.Gly1034Asp (NM_001289396.2, NM_139045.4); c.2927G>A, p.Gly976Asp (NM_001289397.2); short protein forms G1034D, G976D.
Identifiers: ClinVar variation 3034460 (VCV003034460.2), dbSNP rs2537374056, ClinGen allele CA372786877.